The following is an entry in ClinVar:

ClinVar aggregate classification (germline): Uncertain significance (1 of 4 stars; one submission).

Conditions:
Acrocallosal syndrome (ACLS). Also called: Schinzel syndrome 1; Absence of corpus callosum with unusual facial appearance, mental deficiency, duplication of the halluces and polydactyly; HALLUX DUPLICATION, POSTAXIAL POLYDACTYLY, AND ABSENCE OF CORPUS CALLOSUM. Identifiers: Orphanet 36, MedGen C0796147, MONDO:0008708, OMIM 200990.

gnomAD v4.1: 2 of 1,184,112 alleles (0.00017%); highest among the groups gnomAD compares: Non-Finnish European, 0.0001%; no homozygotes.

Submission:

Labcorp Genetics (formerly Invitae), Labcorp
Classification: Uncertain significance for Acrocallosal syndrome. Last evaluated: 2022-03-22. Review status: criteria provided, single submitter. Criteria: Invitae Variant Classification Sherloc (09022015). Collection method: clinical testing. Allele origin: germline.
Comment: This variant has not been reported in the literature in individuals affected with KIF7-related conditions. The frequency data for this variant in the population databases is considered unreliable, as metrics indicate insufficient coverage at this position in the gnomAD database. This sequence change replaces arginine, which is basic and polar, with proline, which is neutral and non-polar, at codon 389 of the KIF7 protein (p.Arg389Pro). Algorithms developed to predict the effect of missense changes on protein structure and function (SIFT, PolyPhen-2, Align-GVGD) all suggest that this variant is likely to be tolerated. In summary, the available evidence is currently insufficient to determine the role of this variant in disease. Therefore, it has been classified as a Variant of Uncertain Significance.

NM_198525.3(KIF7):c.1166G>C (p.Arg389Pro)

Gene: KIF7 (kinesin family member 7; minus strand). Cytogenetic location: 15q26.1.
Variant type: single nucleotide variant.
Coding change: c.1166G>C on transcript NM_198525.3 (MANE Select); coding-DNA position 1166, G replaced by C.
Protein change: p.Arg389Pro; replaces arginine 389 with proline.
Molecular consequence: missense variant.
Genome position (GRCh38, 1-based): chr15:89,648,532, C>G on the plus strand (G>C on the coding strand, the complement: KIF7 is on the minus strand). VCF-style: chr15-89648532-C-G. GRCh37 (hg19) VCF-style: chr15-90191763-C-G.
Other names: short protein forms R389P.
Identifiers: ClinVar variation 1950214 (VCV001950214.5), dbSNP rs1371167571, ClinGen allele CA393772112.